The following is an entry in ClinVar:

ClinVar aggregate classification (germline): Uncertain significance (1 of 4 stars; one submission).

Conditions:
MHC class I deficiency. Identifiers: Orphanet 34592, MedGen C6024714, MONDO:0011476.

Submission:

Labcorp Genetics (formerly Invitae), Labcorp
Classification: Uncertain significance for MHC class I deficiency 1. Last evaluated: 2022-09-01. Review status: criteria provided, single submitter. Criteria: Invitae Variant Classification Sherloc (09022015). Collection method: clinical testing. Allele origin: germline.
Comment: This sequence change replaces alanine, which is neutral and non-polar, with valine, which is neutral and non-polar, at codon 391 of the TAPBP protein (p.Ala391Val). This variant is not present in population databases (gnomAD no frequency). This variant has not been reported in the literature in individuals affected with TAPBP-related conditions. Algorithms developed to predict the effect of missense changes on protein structure and function output the following: SIFT: "Tolerated"; PolyPhen-2: "Benign"; Align-GVGD: "Class C0". The valine amino acid residue is found in multiple mammalian species, which suggests that this missense change does not adversely affect protein function. In summary, the available evidence is currently insufficient to determine the role of this variant in disease. Therefore, it has been classified as a Variant of Uncertain Significance.

NM_003190.5(TAPBP):c.1172C>T (p.Ala391Val)

Gene: TAPBP (TAP binding protein; minus strand). Cytogenetic location: 6p21.32.
Variant type: single nucleotide variant.
Coding change: c.1172C>T on transcript NM_003190.5 (MANE Select); coding-DNA position 1172, C replaced by T.
Protein change: p.Ala391Val; replaces alanine 391 with valine.
Molecular consequence: missense variant.
Genome position (GRCh38, 1-based): chr6:33,304,335, G>A on the plus strand (C>T on the coding strand, the complement: TAPBP is on the minus strand). VCF-style: chr6-33304335-G-A. GRCh37 (hg19) VCF-style: chr6-33272112-G-A.
Other names: c.1172C>T, p.Ala391Val (NM_001410875.1, NM_172208.3); c.911C>T, p.Ala304Val (NM_172209.3); short protein forms A304V, A391V.
Identifiers: ClinVar variation 1718585 (VCV001718585.5), dbSNP rs201263636, ClinGen allele CA363688044.